The following is an entry in ClinVar:

NM_000238.4(KCNH2):c.3331-13del

Gene: KCNH2 (potassium voltage-gated channel subfamily H member 2; minus strand). Cytogenetic location: 7q36.1.
Variant type: Deletion.
Coding change: c.3331-13del on transcript NM_000238.4 (MANE Select); 13 bases into the intron before coding-DNA position 3331, one base deleted (G; older notation c.3331-13delG).
Molecular consequence: intron variant.
Genome position (GRCh38, 1-based): chr7:150,945,527, C deleted on the plus strand (G on the coding strand, the reverse complement: KCNH2 is on the minus strand). VCF-style (leftmost placement, unchanged base first): chr7-150945526-AC-A. GRCh37 (hg19) VCF-style: chr7-150642614-AC-A.
Other names: c.2311-13del (NM_172057.3).
Identifiers: ClinVar variation 200264 (VCV000200264.3), dbSNP rs794728348, ClinGen allele CA008204.

ClinVar aggregate classification (germline): Benign (1 of 4 stars; one submission).

Conditions:
Cardiac arrhythmia. Also called: Arrhythmia; Cardiac rhythm disease. Identifiers: MedGen C0003811, MONDO:0007263, HP:0011675.

Submission:

GeneDx
Classification: Benign for Cardiac arrhythmia. Last evaluated: 2012-04-18. Review status: criteria provided, single submitter. Criteria: GeneDx Variant Classification (06012015). Collection method: clinical testing. Allele origin: germline. Affected: yes.
Comment: The variant is found in LQT panel(s).